The following is an entry in ClinVar:

NM_001276270.2(MBD4):c.1184-3C>G

Gene: MBD4 (methyl-CpG binding domain 4, DNA glycosylase; minus strand). Cytogenetic location: 3q21.3.
Variant type: single nucleotide variant.
Coding change: c.1184-3C>G on transcript NM_001276270.2 (MANE Select); 3 bases into the intron before coding-DNA position 1184, C replaced by G.
Molecular consequence: intron variant.
Genome position (GRCh38, 1-based): chr3:129,434,139, G>C on the plus strand (C>G on the coding strand, the complement: MBD4 is on the minus strand). VCF-style: chr3-129434139-G-C. GRCh37 (hg19) VCF-style: chr3-129152982-G-C.
Other names: c.248-3C>G (NM_001276273.2); c.1202-3C>G (NM_001276272.2, NM_003925.3, NM_001276271.2).
Identifiers: ClinVar variation 3688007 (VCV003688007.3).

ClinVar aggregate classification (germline): Uncertain significance. Review status: criteria provided, multiple submitters, no conflicts (2 of 4 stars). 2 submissions from 2 submitters: Uncertain significance (2). Last evaluated 2025-02-07.

Conditions:
Inborn genetic diseases. Identifiers: MedGen C0950123, MeSH D030342.

Submissions (2):

Ambry Genetics
Classification: Uncertain significance for Inborn genetic diseases. Last evaluated: 2025-02-07. Review status: criteria provided, single submitter. Criteria: Ambry Variant Classification Scheme 2023. Collection method: clinical testing. Allele origin: germline.
Comment: The c.1184-3C>G intronic variant results from a C to G substitution 3 nucleotides upstream from coding exon 4 in the MBD4 gene. This nucleotide position is well conserved in available vertebrate species. In silico splice site analysis predicts that this alteration will weaken the native splice acceptor site. RNA studies have demonstrated that this alteration results in a transcript predicted to lead to a protein with an in-frame deletion of 25 amino acids; however, the exact functional impact of the deleted amino acids is unknown at this time (Ambry internal data). Based on the available evidence, the clinical significance of this variant remains unclear.

Labcorp Genetics (formerly Invitae), Labcorp
Classification: Uncertain significance. Last evaluated: 2024-03-02. Review status: criteria provided, single submitter. Criteria: Invitae Variant Classification Sherloc (09022015). Collection method: clinical testing. Allele origin: germline.
Comment: This sequence change falls in intron 3 of the MBD4 gene. It does not directly change the encoded amino acid sequence of the MBD4 protein. It affects a nucleotide within the consensus splice site. This variant is not present in population databases (gnomAD no frequency). This variant has not been reported in the literature in individuals affected with MBD4-related conditions. Variants that disrupt the consensus splice site are a relatively common cause of aberrant splicing (PMID: 17576681, 9536098). Algorithms developed to predict the effect of sequence changes on RNA splicing suggest that this variant may disrupt the consensus splice site. In summary, the available evidence is currently insufficient to determine the role of this variant in disease. Therefore, it has been classified as a Variant of Uncertain Significance.

Literature cited by the submitters: PubMed 17576681 (cited by Labcorp Genetics (formerly Invitae), Labcorp); PubMed 9536098 (cited by Labcorp Genetics (formerly Invitae), Labcorp).